The following is an entry in ClinVar:

ClinVar aggregate classification (germline): Uncertain significance (1 of 4 stars; one submission).

Conditions:
Primary ciliary dyskinesia. Also called: Ciliary dyskinesia. Identifiers: Orphanet 244, MedGen C0008780, MONDO:0016575, HP:0012265.

Allele frequency attached by ClinVar (database versions not stated): gnomAD exomes below 0.00001.
gnomAD v4.1: 1 of 1,613,692 alleles (0.000062%); highest among the groups gnomAD compares: Admixed American, 0.0017%; no homozygotes.

Submission:

Labcorp Genetics (formerly Invitae), Labcorp
Classification: Uncertain significance for Primary ciliary dyskinesia. Last evaluated: 2019-10-13. Review status: criteria provided, single submitter. Criteria: Invitae Variant Classification Sherloc (09022015). Collection method: clinical testing. Allele origin: germline.
Comment: In summary, the available evidence is currently insufficient to determine the role of this variant in disease. Therefore, it has been classified as a Variant of Uncertain Significance. Algorithms developed to predict the effect of missense changes on protein structure and function (SIFT, PolyPhen-2, Align-GVGD) all suggest that this variant is likely to be disruptive, but these predictions have not been confirmed by published functional studies and their clinical significance is uncertain. This variant is not present in population databases (ExAC no frequency). This sequence change replaces glutamic acid with lysine at codon 3650 of the DNAH11 protein (p.Glu3650Lys). The glutamic acid residue is highly conserved and there is a small physicochemical difference between glutamic acid and lysine.

NM_001277115.2(DNAH11):c.10948G>A (p.Glu3650Lys)

Gene: DNAH11 (dynein axonemal heavy chain 11; plus strand). Cytogenetic location: 7p15.3.
Variant type: single nucleotide variant.
Coding change: c.10948G>A on transcript NM_001277115.2 (MANE Select); coding-DNA position 10948, G replaced by A.
Protein change: p.Glu3650Lys; replaces glutamic acid 3650 with lysine.
Molecular consequence: missense variant.
Genome position (GRCh38, 1-based): chr7:21,852,518, G>A. VCF-style: chr7-21852518-G-A. GRCh37 (hg19) VCF-style: chr7-21892136-G-A.
Other names: short protein forms E3650K.
Identifiers: ClinVar variation 971077 (VCV000971077.10), dbSNP rs1382616171, ClinGen allele CA366958952.
Genomic context (GRCh38, chr7:21,852,518, plus strand): 5'-TTTTATTAGTTGGTATTGACAAAGCACCAAAATGATTTTAAAATTGAGCTCAAGTATCTG[G>A]AAGACGATCTCCTTTTGCGCCTTTCTGCGGCAGAGGGAAGCTTTCTGGATGACACCAAAC-3'
Protein context (NP_001264044.1, residues 3640-3660): NDFKIELKYL[Glu3650Lys]DDLLLRLSAA